The following is an entry in ClinVar:

ClinVar aggregate classification (germline): Conflicting classifications of pathogenicity. Review status: criteria provided, conflicting classifications (1 of 4 stars). 3 submissions from 3 submitters: Uncertain significance (1); Likely benign (2). Last evaluated 2025-12-15.

Conditions:
Long QT syndrome (LQTS). Identifiers: MedGen C0023976, MeSH D008133, MONDO:0002442. Disease mechanism: loss of function. Inheritance: Various modes of inheritance.
Cardiovascular phenotype. Identifiers: MedGen CN230736.

Allele frequency attached by ClinVar (database versions not stated): gnomAD 0.00004 and 0.00005; gnomAD exomes 0.00004 and 0.00013; ExAC 0.00007; TOPMed 0.00007.
gnomAD v4.1: 65 of 1,613,692 alleles (0.004%); highest among the groups gnomAD compares: East Asian, 0.071%; no homozygotes.

Submissions (3):

Labcorp Genetics (formerly Invitae), Labcorp
Classification: Uncertain significance for Long QT syndrome. Last evaluated: 2025-12-15. Review status: criteria provided, single submitter. Criteria: Invitae Variant Classification Sherloc (09022015). Collection method: clinical testing. Allele origin: germline.
Comment: This sequence change replaces aspartic acid, which is acidic and polar, with glycine, which is neutral and non-polar, at codon 3011 of the AKAP9 protein (p.Asp3011Gly). This variant is present in population databases (rs745743634, gnomAD 0.2%), and has an allele count higher than expected for a pathogenic variant. This variant has not been reported in the literature in individuals affected with AKAP9-related conditions. ClinVar contains an entry for this variant (Variation ID: 917681). An algorithm developed to predict the effect of missense changes on protein structure and function outputs the following: PolyPhen-2: "Benign". The glycine amino acid residue is found in multiple mammalian species, which suggests that this missense change does not adversely affect protein function. In summary, the available evidence is currently insufficient to determine the role of this variant in disease. Therefore, it has been classified as a Variant of Uncertain Significance.

Ambry Genetics
Classification: Likely benign for Cardiovascular phenotype. Last evaluated: 2023-12-16. Review status: criteria provided, single submitter. Criteria: Ambry Variant Classification Scheme 2023. Collection method: clinical testing. Allele origin: germline.

Women's Health and Genetics/Laboratory Corporation of America, LabCorp
Classification: Likely benign. Last evaluated: 2020-02-24. Review status: criteria provided, single submitter. Criteria: LabCorp Variant Classification Summary - May 2015. Collection method: clinical testing. Allele origin: germline.
Comment: Variant summary: AKAP9 c.9032A>G (p.Asp3011Gly) results in a non-conservative amino acid change in the encoded protein sequence. Three of four in-silico tools predict a benign effect of the variant on protein function. The variant allele was found at a frequency of 0.00013 in 251298 control chromosomes, predominantly at a frequency of 0.0017 within the East Asian subpopulation in the gnomAD database. The observed variant frequency within East Asian control individuals in the gnomAD database is approximately 170-fold the estimated maximal expected allele frequency for a pathogenic variant in AKAP9 causing Arrhythmia phenotype (1e-05), strongly suggesting that the variant is a benign polymorphism found primarily in populations of East Asian origin. To our knowledge, no occurrence of c.9032A>G in individuals affected with Arrhythmia and no experimental evidence demonstrating an impact on protein function have been reported. No clinical diagnostic laboratories have submitted clinical-significance assessments for this variant to ClinVar after 2014. Based on the evidence outlined above, the variant was classified as likely benign.

NM_005751.5(AKAP9):c.9032A>G (p.Asp3011Gly)

Gene: AKAP9 (A-kinase anchoring protein 9; plus strand). Cytogenetic location: 7q21.2.
Variant type: single nucleotide variant.
Coding change: c.9032A>G on transcript NM_005751.5 (MANE Select); coding-DNA position 9032, A replaced by G.
Protein change: p.Asp3011Gly; replaces aspartic acid 3011 with glycine.
Molecular consequence: missense variant.
Genome position (GRCh38, 1-based): chr7:92,086,235, A>G. VCF-style: chr7-92086235-A-G. GRCh37 (hg19) VCF-style: chr7-91715549-A-G.
Other names: c.3677A>G, p.Asp1226Gly (NM_001379277.1); c.9008A>G, p.Asp3003Gly (NM_147185.3); short protein forms D3011G, D1226G, D3003G.
Identifiers: ClinVar variation 917681 (VCV000917681.10), dbSNP rs745743634, ClinGen allele CA4337648.